The following is an entry in ClinVar:

ClinVar aggregate classification (germline): Likely benign (1 of 4 stars; one submission).

gnomAD v4.1: 395 of 1,613,502 alleles (0.024%); highest among the groups gnomAD compares: South Asian, 0.033%; no homozygotes.

Submission:

Mayo Clinic Laboratories, Mayo Clinic
Classification: Likely benign. Last evaluated: 2025-10-31. Review status: criteria provided, single submitter. Criteria: ACMG Guidelines, 2015. Collection method: clinical testing. Allele origin: germline. Observed: 2 variant alleles.
Comment: BP4, BP7

NM_000096.4(CP):c.-6A>G

Gene: CP (ceruloplasmin; minus strand). Cytogenetic location: 3q25.1.
Variant type: single nucleotide variant.
Coding change: c.-6A>G on transcript NM_000096.4 (MANE Select); 6 bases upstream of the start codon, A replaced by G.
Molecular consequence: 5 prime UTR variant. On other transcripts: non-coding transcript variant (1).
Genome position (GRCh38, 1-based): chr3:149,221,798, T>C on the plus strand (A>G on the coding strand, the complement: CP is on the minus strand). VCF-style: chr3-149221798-T-C. GRCh37 (hg19) VCF-style: chr3-148939585-T-C.
Identifiers: ClinVar variation 4684727 (VCV004684727.1).